The following is an entry in ClinVar:

ClinVar aggregate classification (germline): Uncertain significance (1 of 4 stars; one submission).

Conditions:
Polycystic kidney disease 5. Identifiers: MedGen C4539903, MONDO:0033281, OMIM 617610.

gnomAD v4.1: 3 of 152,326 alleles (0.002%); highest among the groups gnomAD compares: East Asian, 0.058%; no homozygotes.

Submission:

Juno Genomics, Hangzhou Juno Genomics, Inc
Classification: Uncertain significance for Polycystic kidney disease 5. Review status: criteria provided, single submitter. Criteria: ACMG Guidelines, 2015. Collection method: clinical testing. Allele origin: germline.
Comment: Absent from controls (or at extremely low frequency if recessive) in Genome Aggregation Database.;Multiple lines of computational evidence support a deleterious effect on the gene or gene product.

NM_173543.3(DZIP1L):c.1203+374G>A

Gene: DZIP1L (DAZ interacting zinc finger protein 1 like; minus strand). Cytogenetic location: 3q22.3.
Variant type: single nucleotide variant.
Coding change: c.1203+374G>A on transcript NM_173543.3 (MANE Select); 374 bases into the intron after coding-DNA position 1203, G replaced by A.
Molecular consequence: intron variant.
Genome position (GRCh38, 1-based): chr3:138,083,739, C>T on the plus strand (G>A on the coding strand, the complement: DZIP1L is on the minus strand). VCF-style: chr3-138083739-C-T. GRCh37 (hg19) VCF-style: chr3-137802581-C-T.
Other names: c.1203+374G>A (NM_001170538.1).
Identifiers: ClinVar variation 5006553 (VCV005006553.2).